The following is an entry in ClinVar:

ClinVar aggregate classification (germline): Pathogenic (1 of 4 stars; one submission).

Submission:

GeneDx
Classification: Pathogenic. Last evaluated: 2017-02-15. Review status: criteria provided, single submitter. Criteria: GeneDx Variant Classification (06012015). Collection method: clinical testing. Allele origin: germline. Affected: yes.
Comment: The c.1256delT variant in the DDX3X gene has not been reported previously as a pathogenic variant nor as a benign variant, to our knowledge. This variant causes a frameshift starting with codon Valine 419, changes this amino acid to a Glutamic Acid residue, and creates a premature Stop codon at position 17 of the new reading frame, denoted p.Val419GlufsX17. This variant is predicted to cause loss of normal protein function either through protein truncation or nonsense-mediated mRNA decay. The c.1256delT variant is not observed in large population cohorts (Lek et al., 2016; 1000 Genomes Consortium et al., 2015; Exome Variant Server). We interpret c.1256delT as a pathogenic variant.

NM_001356.5(DDX3X):c.1256del (p.Val419fs)

Gene: DDX3X (DEAD-box helicase 3 X-linked; plus strand). Cytogenetic location: Xp11.4.
Variant type: Deletion.
Coding change: c.1256del on transcript NM_001356.5 (MANE Select); coding-DNA position 1256, one base deleted (T; older notation c.1256delT).
Protein change: p.Val419fs; shifts the reading frame from valine 419.
Molecular consequence: frameshift variant. On other transcripts: non-coding transcript variant (1).
Genome position (GRCh38, 1-based): chrX:41,345,489, T deleted. VCF-style (leftmost placement, unchanged base first): chrX-41345488-GT-G. GRCh37 (hg19) VCF-style: chrX-41204741-GT-G.
Other names: c.1256del, p.Val419fs (NM_001193416.3); c.1208del, p.Val403fs (NM_001193417.3); c.698del, p.Val233fs (NM_001363819.1); short protein forms V403fs, V233fs, V419fs.
Identifiers: ClinVar variation 423331 (VCV000423331.2), dbSNP rs1064796364, ClinGen allele CA16621387.